The following is an entry in ClinVar:

ClinVar aggregate classification (germline): Pathogenic/Likely pathogenic. Review status: criteria provided, multiple submitters, no conflicts (2 of 4 stars). 2 submissions from 2 submitters: Pathogenic (1); Likely pathogenic (1). Last evaluated 2025-06-29.

Conditions:
EYS-related disorder. Also called: EYS-related condition.

Allele frequency attached by ClinVar (database versions not stated): gnomAD exomes below 0.00001.
gnomAD v4.1: 3 of 1,547,576 alleles (0.00019%); highest among the groups gnomAD compares: Non-Finnish European, 0.00026%; no homozygotes.

Submissions (2):

Labcorp Genetics (formerly Invitae), Labcorp
Classification: Pathogenic. Last evaluated: 2025-06-29. Review status: criteria provided, single submitter. Criteria: Invitae Variant Classification Sherloc (09022015). Collection method: clinical testing. Allele origin: germline.
Comment: This sequence change affects a donor splice site in intron 42 of the EYS gene. While this variant is not anticipated to result in nonsense mediated decay, it likely alters RNA splicing and results in a disrupted protein product. This variant is not present in population databases (gnomAD no frequency). This variant has not been reported in the literature in individuals affected with EYS-related conditions. ClinVar contains an entry for this variant (Variation ID: 865824). Variants that disrupt the consensus splice site are a relatively common cause of aberrant splicing (PMID: 17576681, 9536098). Algorithms developed to predict the effect of sequence changes on RNA splicing suggest that this variant may disrupt the consensus splice site. This variant disrupts a region of the EYS protein in which other variant(s) (p.Tyr3135*) have been determined to be pathogenic (PMID: 18976725, 29159838, 30337596, 31074760). This suggests that this is a clinically significant region of the protein, and that variants that disrupt it are likely to be disease-causing. For these reasons, this variant has been classified as Pathogenic.

Blueprint Genetics
Classification: Likely pathogenic for EYS-related disorders. Last evaluated: 2018-12-11. Review status: criteria provided, single submitter. Criteria: ACMG Guidelines, 2015. Collection method: clinical testing. Allele origin: germline. Affected: yes. Observed: 1 variant allele.

Literature cited by the submitters: PubMed 17576681 (cited by Labcorp Genetics (formerly Invitae), Labcorp); PubMed 9536098 (cited by Labcorp Genetics (formerly Invitae), Labcorp); PubMed 18976725 (cited by Labcorp Genetics (formerly Invitae), Labcorp); PubMed 29159838 (cited by Labcorp Genetics (formerly Invitae), Labcorp); PubMed 30337596 (cited by Labcorp Genetics (formerly Invitae), Labcorp); PubMed 31074760 (cited by Labcorp Genetics (formerly Invitae), Labcorp).

NM_001142800.2(EYS):c.8233+1G>C

Gene: EYS (EGF-like photoreceptor maintenance factor; minus strand). Cytogenetic location: 6q12.
Variant type: single nucleotide variant.
Coding change: c.8233+1G>C on transcript NM_001142800.2 (MANE Select); the canonical splice donor site of the intron after coding-DNA position 8233, G replaced by C.
Molecular consequence: splice donor variant.
Genome position (GRCh38, 1-based): chr6:63,726,518, C>G on the plus strand (G>C on the coding strand, the complement: EYS is on the minus strand). VCF-style: chr6-63726518-C-G. GRCh37 (hg19) VCF-style: chr6-64436411-C-G.
Other names: c.8296+1G>C (NM_001292009.2).
Identifiers: ClinVar variation 865824 (VCV000865824.3), dbSNP rs1768621810, ClinGen allele CA364385651.